The following is an entry in ClinVar:

NM_001386393.1(PANK2):c.503G>A (p.Arg168His)

Gene: PANK2 (pantothenate kinase 2; plus strand). Cytogenetic location: 20p13.
Variant type: single nucleotide variant.
Coding change: c.503G>A on transcript NM_001386393.1 (MANE Select); coding-DNA position 503, G replaced by A.
Protein change: p.Arg168His; replaces arginine 168 with histidine.
Molecular consequence: missense variant. On other transcripts: 5 prime UTR variant (4), non-coding transcript variant (1).
Genome position (GRCh38, 1-based): chr20:3,908,130, G>A. VCF-style: chr20-3908130-G-A. GRCh37 (hg19) VCF-style: chr20-3888777-G-A.
Other names: c.-41G>A (NM_001324191.2, NM_024960.6, NM_153640.4); c.833G>A, p.Arg278His (NM_001324192.1, NM_153638.4); c.-333G>A (NM_001324193.2); short protein forms R278H, R168H.
Identifiers: ClinVar variation 1967397 (VCV001967397.5), dbSNP rs1348762206, ClinGen allele CA408112577.
Genomic context (GRCh38, chr20:3,908,130, plus strand): 5'-ATGGGTCTACAGGCATTCGGGACGTGCACCTCGAGCTGAAGGACCTGACTCTGTGTGGAC[G>A]CAAAGGCAATCTGCACTTTATACGCTTTCCCACTCATGACATGCCTGCTTTTATTCAAAT-3'
Protein context (NP_001373322.1, residues 158-178): LELKDLTLCG[Arg168His]KGNLHFIRFP

ClinVar aggregate classification (germline): Uncertain significance (1 of 4 stars; one submission).

Conditions:
Pigmentary pallidal degeneration (NBIA1). Also called: HARP SYNDROME; Pantothenate Kinase-Associated Neurodegeneration; Neuroaxonal dystrophy, late infantile; Hallervorden-Spatz disease; PKAN NEUROAXONAL DYSTROPHY, JUVENILE-ONSET; Neurodegeneration with brain iron accumulation 1. Identifiers: Orphanet 157850, MedGen C0018523, MONDO:0009319, OMIM 234200.

Submission:

Labcorp Genetics (formerly Invitae), Labcorp
Classification: Uncertain significance for Pigmentary pallidal degeneration. Last evaluated: 2022-07-30. Review status: criteria provided, single submitter. Criteria: Invitae Variant Classification Sherloc (09022015). Collection method: clinical testing. Allele origin: germline.
Comment: This variant has not been reported in the literature in individuals affected with PANK2-related conditions. In summary, the available evidence is currently insufficient to determine the role of this variant in disease. Therefore, it has been classified as a Variant of Uncertain Significance. Algorithms developed to predict the effect of missense changes on protein structure and function are either unavailable or do not agree on the potential impact of this missense change (SIFT: "Deleterious"; PolyPhen-2: "Probably Damaging"; Align-GVGD: "Class C0"). This variant is present in population databases (no rsID available, gnomAD 0.01%). This sequence change replaces arginine, which is basic and polar, with histidine, which is basic and polar, at codon 278 of the PANK2 protein (p.Arg278His).